The following is an entry in ClinVar:

ClinVar aggregate classification (germline): Conflicting classifications of pathogenicity. Review status: criteria provided, conflicting classifications (1 of 4 stars). 4 submissions from 4 submitters: Uncertain significance (1); Likely benign (2). 1 of the submissions does not count toward it. Last evaluated 2025-07-31.

Conditions:
PDE6C-related disorder. Also called: PDE6C-related condition.

Allele frequency attached by ClinVar (database versions not stated): gnomAD exomes 0.00005 and 0.00012; ExAC 0.00017; ESP Exome Variant Server 0.00046; gnomAD 0.00046 and 0.00048; TOPMed 0.00056; 1000 Genomes Project 0.00080; 1000 Genomes Project 30x 0.00094.
gnomAD v4.1: 138 of 1,613,948 alleles (0.0086%); highest among the groups gnomAD compares: African/African-American, 0.18%; no homozygotes.

Submissions (4):

Labcorp Genetics (formerly Invitae), Labcorp
Classification: Likely benign. Last evaluated: 2025-07-31. Review status: criteria provided, single submitter. Criteria: Invitae Variant Classification Sherloc (09022015). Collection method: clinical testing. Allele origin: germline.

Blueprint Genetics
Classification: Likely benign. Last evaluated: 2021-01-21. Review status: criteria provided, single submitter. Criteria: ACMG Guidelines, 2015. Collection method: clinical testing. Allele origin: germline.

Eurofins Ntd Llc (ga)
Classification: Uncertain significance. Last evaluated: 2016-10-06. Review status: criteria provided, single submitter. Criteria: EGL Classification Definitions 2015. Collection method: clinical testing. Allele origin: germline. Observed: 1 variant allele, 1 heterozygote.

PreventionGenetics, part of Exact Sciences
Classification: Likely benign for PDE6C-related condition. Last evaluated: 2019-07-31. Review status: no assertion criteria provided. Collection method: clinical testing. Allele origin: germline. Not counted in ClinVar's aggregate classification.
Comment: This variant is classified as likely benign based on ACMG/AMP sequence variant interpretation guidelines (Richards et al. 2015 PMID: 25741868, with internal and published modifications).

NM_006204.4(PDE6C):c.219G>T (p.Gly73=)

Gene: PDE6C (phosphodiesterase 6C; plus strand). Cytogenetic location: 10q23.33.
Variant type: single nucleotide variant.
Coding change: c.219G>T on transcript NM_006204.4 (MANE Select); coding-DNA position 219, G replaced by T.
Protein change: p.Gly73=; no amino-acid change (glycine 73 retained).
Molecular consequence: synonymous variant.
Genome position (GRCh38, 1-based): chr10:93,612,944, G>T. VCF-style: chr10-93612944-G-T. GRCh37 (hg19) VCF-style: chr10-95372701-G-T.
Other names: c.219G>T (NM_006204.3).
Identifiers: ClinVar variation 497465 (VCV000497465.17), dbSNP rs140469169, ClinGen allele CA5609781.